The following is an entry in ClinVar:

ClinVar aggregate classification (germline): Uncertain significance (1 of 4 stars; one submission).

Conditions:
Leber congenital amaurosis 6 (LCA6). Identifiers: Orphanet 65, MedGen C1854260, MONDO:0013446, OMIM 613826.
Cone-rod dystrophy 13 (CORD13). Identifiers: Orphanet 1872, MedGen C2750720, MONDO:0011987, OMIM 608194.

gnomAD v4.1: 1 of 1,613,970 alleles (0.000062%); highest among the groups gnomAD compares: Non-Finnish European, 0.000085%; no homozygotes.

Submission:

Labcorp Genetics (formerly Invitae), Labcorp
Classification: Uncertain significance for Leber congenital amaurosis 6; Cone-rod dystrophy 13. Last evaluated: 2022-05-17. Review status: criteria provided, single submitter. Criteria: Invitae Variant Classification Sherloc (09022015). Collection method: clinical testing. Allele origin: germline.
Comment: This sequence change replaces tyrosine, which is neutral and polar, with phenylalanine, which is neutral and non-polar, at codon 864 of the RPGRIP1 protein (p.Tyr864Phe). This variant is not present in population databases (gnomAD no frequency). This variant has not been reported in the literature in individuals affected with RPGRIP1-related conditions. Algorithms developed to predict the effect of missense changes on protein structure and function are either unavailable or do not agree on the potential impact of this missense change (SIFT: "Deleterious"; PolyPhen-2: "Probably Damaging"; Align-GVGD: "Class C0"). In summary, the available evidence is currently insufficient to determine the role of this variant in disease. Therefore, it has been classified as a Variant of Uncertain Significance.

NM_020366.4(RPGRIP1):c.2591A>T (p.Tyr864Phe)

Gene: RPGRIP1 (RPGR interacting protein 1; plus strand). Cytogenetic location: 14q11.2.
Variant type: single nucleotide variant.
Coding change: c.2591A>T on transcript NM_020366.4 (MANE Select); coding-DNA position 2591, A replaced by T.
Protein change: p.Tyr864Phe; replaces tyrosine 864 with phenylalanine.
Molecular consequence: missense variant. On other transcripts: intron variant (4).
Genome position (GRCh38, 1-based): chr14:21,326,054, A>T. VCF-style: chr14-21326054-A-T. GRCh37 (hg19) VCF-style: chr14-21794213-A-T.
Other names: c.1517A>T, p.Tyr506Phe (NM_001377948.1); c.796+1329A>T (NM_001377949.1); c.689-1569A>T (NM_001377523.1, NM_001377950.1); c.191-1569A>T (NM_001377951.1); short protein forms Y506F, Y864F.
Identifiers: ClinVar variation 1995868 (VCV001995868.4), dbSNP rs1026220517, ClinGen allele CA388869408.